The following is an entry in ClinVar:

ClinVar aggregate classification (germline): Uncertain significance. Review status: criteria provided, multiple submitters, no conflicts (2 of 4 stars). 2 submissions from 2 submitters: Uncertain significance (2). Last evaluated 2026-04-13.

Conditions:
KCNH1-related disorder. Also called: KCNH1-related disorders; KCNH1-related condition.
Inborn genetic diseases. Identifiers: MedGen C0950123, MeSH D030342.

gnomAD v4.1: 13 of 1,613,016 alleles (0.00081%); highest among the groups gnomAD compares: African/African-American, 0.0027%; no homozygotes.

Submissions (2):

PreventionGenetics, part of Exact Sciences
Classification: Uncertain significance for KCNH1-related condition. Last evaluated: 2026-04-13. Review status: criteria provided, single submitter. Criteria: ACMG Guidelines, 2015. Collection method: clinical testing. Allele origin: germline.
Comment: The KCNH1 c.1449C>G variant is predicted to result in the amino acid substitution p.Ile483Met. To our knowledge, this variant has not been reported in the literature. This variant is reported in 0.0062% of alleles in individuals of African descent in gnomAD. At this time, the clinical significance of this variant is uncertain due to the absence of conclusive functional and genetic evidence.

Ambry Genetics
Classification: Uncertain significance for Inborn genetic diseases. Last evaluated: 2024-12-24. Review status: criteria provided, single submitter. Criteria: Ambry Variant Classification Scheme 2023. Collection method: clinical testing. Allele origin: germline.

NM_172362.3(KCNH1):c.1449C>G (p.Ile483Met)

Gene: KCNH1 (potassium voltage-gated channel subfamily H member 1; minus strand). Cytogenetic location: 1q32.2.
Variant type: single nucleotide variant.
Coding change: c.1449C>G on transcript NM_172362.3 (MANE Select); coding-DNA position 1449, C replaced by G.
Protein change: p.Ile483Met; replaces isoleucine 483 with methionine.
Molecular consequence: missense variant.
Genome position (GRCh38, 1-based): chr1:210,919,653, G>C on the plus strand (C>G on the coding strand, the complement: KCNH1 is on the minus strand). VCF-style: chr1-210919653-G-C. GRCh37 (hg19) VCF-style: chr1-211092995-G-C.
Other names: c.1368C>G, p.Ile456Met (NM_002238.4); short protein forms I456M, I483M.
Identifiers: ClinVar variation 3862753 (VCV003862753.2).
Genomic context (GRCh38, chr1:210,919,653, plus strand): 5'-GCTAACAGAAGAGATGGCCAACCCCACCCCAGCACTGTCATACTTACAGCCAATCATCAT[G>C]ATGGCCACTGCAAAGATCTTCTCAATGTCTGTGGATGGGGCGATGTTCCCAAAGCCCACA-3'
Protein context (NP_758872.1, residues 473-493): TDIEKIFAVA[Ile483Met]MMIGSLLYAT